The following is an entry in ClinVar:

NM_015107.3(PHF8):c.219T>A (p.Asp73Glu)

Gene: PHF8 (PHD finger protein 8; minus strand). Cytogenetic location: Xp11.22.
Variant type: single nucleotide variant.
Coding change: c.219T>A on transcript NM_015107.3 (MANE Select); coding-DNA position 219, T replaced by A.
Protein change: p.Asp73Glu; replaces aspartic acid 73 with glutamic acid.
Molecular consequence: missense variant.
Genome position (GRCh38, 1-based): chrX:54,022,333, A>T on the plus strand (T>A on the coding strand, the complement: PHF8 is on the minus strand). VCF-style: chrX-54022333-A-T. GRCh37 (hg19) VCF-style: chrX-54048766-A-T.
Other names: c.327T>A, p.Asp109Glu (NM_001184896.1); c.219T>A, p.Asp73Glu (NM_001184897.2, NM_001184898.2); short protein forms D73E, D109E.
Identifiers: ClinVar variation 516469 (VCV000516469.14), dbSNP rs148664730, ClinGen allele CA10423653.

ClinVar aggregate classification (germline): Benign/Likely benign. Review status: criteria provided, multiple submitters, no conflicts (2 of 4 stars). 7 submissions from 7 submitters: Benign (1); Likely benign (4). 2 of the submissions do not count toward it. Last evaluated 2026-01-09.

Conditions:
Inborn genetic diseases. Identifiers: MedGen C0950123, MeSH D030342.

Allele frequency attached by ClinVar (database versions not stated): gnomAD 0.00123 and 0.00141; ESP Exome Variant Server 0.00133; 1000 Genomes Project 30x 0.00146; TOPMed 0.00153; 1000 Genomes Project 0.00159; gnomAD exomes 0.00202; ExAC 0.00219.
gnomAD v4.1: 2,001 of 1,204,307 alleles (0.17%); highest among the groups gnomAD compares: Middle Eastern, 1.9%; 1 homozygote.

Submissions (7):

Labcorp Genetics (formerly Invitae), Labcorp
Classification: Likely benign. Last evaluated: 2026-01-09. Review status: criteria provided, single submitter. Criteria: Invitae Variant Classification Sherloc (09022015). Collection method: clinical testing. Allele origin: germline.

Blueprint Genetics
Classification: Likely benign. Last evaluated: 2024-11-26. Review status: criteria provided, single submitter. Criteria: ACMG Guidelines, 2015. Collection method: clinical testing. Allele origin: germline.

Ambry Genetics
Classification: Benign for Inborn genetic diseases. Last evaluated: 2017-12-08. Review status: criteria provided, single submitter. Criteria: Ambry Variant Classification Scheme 2023. Collection method: clinical testing. Allele origin: germline.

GeneDx
Classification: Likely benign. Last evaluated: 2017-11-22. Review status: criteria provided, single submitter. Criteria: GeneDx Variant Classification (06012015). Collection method: clinical testing. Allele origin: germline. Affected: yes.
Comment: This variant is considered likely benign or benign based on one or more of the following criteria: it is a conservative change, it occurs at a poorly conserved position in the protein, it is predicted to be benign by multiple in silico algorithms, and/or has population frequency not consistent with disease.

Breakthrough Genomics
Classification: Likely benign. Review status: criteria provided, single submitter. Criteria: ACMG Guidelines, 2015. Collection method: not provided. Allele origin: germline. Inheritance: X-linked inheritance. Affected: yes.

Clinical Genetics DNA and cytogenetics Diagnostics Lab, Erasmus MC, Erasmus Medical Center
Classification: Likely benign. Review status: no assertion criteria provided. Collection method: clinical testing. Allele origin: germline. Affected: yes. Study: VKGL Data-share Consensus. Not counted in ClinVar's aggregate classification.

Laboratory of Diagnostic Genome Analysis, Leiden University Medical Center (LUMC)
Classification: Likely benign. Review status: no assertion criteria provided. Collection method: clinical testing. Allele origin: germline. Affected: yes. Study: VKGL Data-share Consensus. Not counted in ClinVar's aggregate classification.